The following is an entry in ClinVar:

ClinVar aggregate classification (germline): Uncertain significance. Review status: criteria provided, multiple submitters, no conflicts (2 of 4 stars). 3 submissions from 3 submitters: Uncertain significance (3). Last evaluated 2025-02-22.

Conditions:
Inborn genetic diseases. Identifiers: MedGen C0950123, MeSH D030342.
Combined oxidative phosphorylation defect type 27. Also called: Combined oxidative phosphorylation deficiency 27. Identifiers: Orphanet 477774, MedGen C5567608, MONDO:0014728, OMIM 616672.

Allele frequency attached by ClinVar (database versions not stated): gnomAD exomes 0.00002 and 0.00003; TOPMed 0.00002; ExAC 0.00003.
gnomAD v4.1: 23 of 1,600,488 alleles (0.0014%); highest among the groups gnomAD compares: Admixed American, 0.0017%; no homozygotes.

Submissions (3):

Ambry Genetics
Classification: Uncertain significance for Inborn genetic diseases. Last evaluated: 2025-02-22. Review status: criteria provided, single submitter. Criteria: Ambry Variant Classification Scheme 2023. Collection method: clinical testing. Allele origin: germline.

Blueprint Genetics
Classification: Uncertain significance. Last evaluated: 2024-11-01. Review status: criteria provided, single submitter. Criteria: ACMG Guidelines, 2015. Collection method: clinical testing. Allele origin: germline.

Labcorp Genetics (formerly Invitae), Labcorp
Classification: Uncertain significance for Combined oxidative phosphorylation defect type 27. Last evaluated: 2022-07-31. Review status: criteria provided, single submitter. Criteria: Invitae Variant Classification Sherloc (09022015). Collection method: clinical testing. Allele origin: germline.
Comment: This sequence change replaces histidine, which is basic and polar, with arginine, which is basic and polar, at codon 90 of the CARS2 protein (p.His90Arg). This variant is present in population databases (rs752180849, gnomAD 0.006%). This variant has not been reported in the literature in individuals affected with CARS2-related conditions. ClinVar contains an entry for this variant (Variation ID: 943806). Algorithms developed to predict the effect of missense changes on protein structure and function (SIFT, PolyPhen-2, Align-GVGD) all suggest that this variant is likely to be disruptive. In summary, the available evidence is currently insufficient to determine the role of this variant in disease. Therefore, it has been classified as a Variant of Uncertain Significance.

NM_024537.4(CARS2):c.269A>G (p.His90Arg)

Gene: CARS2 (cysteinyl-tRNA synthetase 2, mitochondrial; minus strand). Cytogenetic location: 13q34.
Variant type: single nucleotide variant.
Coding change: c.269A>G on transcript NM_024537.4 (MANE Select); coding-DNA position 269, A replaced by G.
Protein change: p.His90Arg; replaces histidine 90 with arginine.
Molecular consequence: missense variant. On other transcripts: 5 prime UTR variant (1), non-coding transcript variant (2).
Genome position (GRCh38, 1-based): chr13:110,705,527, T>C on the plus strand (A>G on the coding strand, the complement: CARS2 is on the minus strand). VCF-style: chr13-110705527-T-C. GRCh37 (hg19) VCF-style: chr13-111357874-T-C.
Other names: c.-731A>G (NM_001352252.2); c.269A>G, p.His90Arg (NM_001352253.3); c.269A>G (NM_024537.2); short protein forms H90R.
Identifiers: ClinVar variation 943806 (VCV000943806.7), dbSNP rs752180849, ClinGen allele CA7052330.